The following is an entry in ClinVar:

NM_000188.3(HK1):c.2093G>C (p.Gly698Ala)

Gene: HK1 (hexokinase 1; plus strand). Cytogenetic location: 10q22.1.
Variant type: single nucleotide variant.
Coding change: c.2093G>C on transcript NM_000188.3 (MANE Select); coding-DNA position 2093, G replaced by C.
Protein change: p.Gly698Ala; replaces glycine 698 with alanine.
Molecular consequence: missense variant.
Genome position (GRCh38, 1-based): chr10:69,392,182, G>C. VCF-style: chr10-69392182-G-C. GRCh37 (hg19) VCF-style: chr10-71151938-G-C.
Other names: c.2105G>C, p.Gly702Ala (NM_001322364.2, NM_001358263.1, NM_033497.3 and 1 more transcripts); c.2198G>C, p.Gly733Ala (NM_001322365.2); c.2009G>C, p.Gly670Ala (NM_001322366.1); c.1997G>C, p.Gly666Ala (NM_001322367.1); c.2090G>C, p.Gly697Ala (NM_033496.3); c.2057G>C, p.Gly686Ala (NM_033500.2); short protein forms G702A, G697A, G733A, G666A, G698A, G670A, G686A.
Identifiers: ClinVar variation 2040652 (VCV002040652.4), dbSNP rs1295778467, ClinGen allele CA376914653.

ClinVar aggregate classification (germline): Uncertain significance (1 of 4 stars; one submission).

Submission:

Labcorp Genetics (formerly Invitae), Labcorp
Classification: Uncertain significance. Last evaluated: 2022-03-09. Review status: criteria provided, single submitter. Criteria: Invitae Variant Classification Sherloc (09022015). Collection method: clinical testing. Allele origin: germline.
Comment: In summary, the available evidence is currently insufficient to determine the role of this variant in disease. Therefore, it has been classified as a Variant of Uncertain Significance. Algorithms developed to predict the effect of missense changes on protein structure and function are either unavailable or do not agree on the potential impact of this missense change (SIFT: "Deleterious"; PolyPhen-2: "Possibly Damaging"; Align-GVGD: "Class C0"). This variant has not been reported in the literature in individuals affected with HK1-related conditions. This variant is not present in population databases (gnomAD no frequency). This sequence change replaces glycine, which is neutral and non-polar, with alanine, which is neutral and non-polar, at codon 698 of the HK1 protein (p.Gly698Ala).